The following is an entry in ClinVar:

ClinVar aggregate classification (germline): Likely benign. Review status: criteria provided, multiple submitters, no conflicts (2 of 4 stars). 2 submissions from 2 submitters: Likely benign (2). Last evaluated 2024-11-20.

Conditions:
Parkinson Disease, Dominant/Recessive.

Allele frequency attached by ClinVar (database versions not stated): 1000 Genomes Project 0.00040; 1000 Genomes Project 30x 0.00047; gnomAD 0.00083; TOPMed 0.00100; ESP Exome Variant Server 0.00115.
gnomAD v4.1: 2,250 of 1,613,992 alleles (0.14%); highest among the groups gnomAD compares: Non-Finnish European, 0.18%; 1 homozygote.

Submissions (2):

Blueprint Genetics
Classification: Likely benign. Last evaluated: 2024-11-20. Review status: criteria provided, single submitter. Criteria: ACMG Guidelines, 2015. Collection method: clinical testing. Allele origin: germline.

Illumina Laboratory Services, Illumina
Classification: Likely benign for Parkinson Disease, Dominant/Recessive. Last evaluated: 2018-01-13. Review status: criteria provided, single submitter. Criteria: ICSL Variant Classification Criteria 13 December 2019. Collection method: clinical testing. Allele origin: germline.
Comment: This variant was observed in the ICSL laboratory as part of a predisposition screen in an ostensibly healthy population. It had not been previously curated by ICSL or reported in the Human Gene Mutation Database (HGMD: prior to June 1st, 2018), and was therefore a candidate for classification through an automated scoring system. Utilizing variant allele frequency, disease prevalence and penetrance estimates, and inheritance mode, an automated score was calculated to assess if this variant is too frequent to cause the disease. Based on the score and internal cut-off values, a variant classified as likely benign is not then subjected to further curation. The score for this variant resulted in a classification of likely benign for this disease.

NM_005460.4(SNCAIP):c.608A>G (p.Asn203Ser)

Gene: SNCAIP (synuclein alpha interacting protein; plus strand). Cytogenetic location: 5q23.2.
Variant type: single nucleotide variant.
Coding change: c.608A>G on transcript NM_005460.4 (MANE Select); coding-DNA position 608, A replaced by G.
Protein change: p.Asn203Ser; replaces asparagine 203 with serine.
Molecular consequence: missense variant. On other transcripts: non-coding transcript variant (1), intron variant (5).
Genome position (GRCh38, 1-based): chr5:122,423,345, A>G. VCF-style: chr5-122423345-A-G. GRCh37 (hg19) VCF-style: chr5-121759040-A-G.
Other names: c.749A>G, p.Asn250Ser (NM_001308100.2); c.608A>G, p.Asn203Ser (NM_001308105.1); c.85-8624A>G (NM_001242935.3, NM_001308107.2); c.85-17284A>G (NM_001308109.2); c.79-8624A>G (NM_001308106.1); c.85-2007A>G (NM_001308108.1); short protein forms N203S, N250S.
Identifiers: ClinVar variation 350486 (VCV000350486.6), dbSNP rs144384727, ClinGen allele CA3384678.